The following is an entry in ClinVar:

NM_001145809.2(MYH14):c.3879G>C (p.Glu1293Asp)

Gene: MYH14 (myosin heavy chain 14; plus strand). Cytogenetic location: 19q13.33.
Variant type: single nucleotide variant.
Coding change: c.3879G>C on transcript NM_001145809.2 (MANE Select); coding-DNA position 3879, G replaced by C.
Protein change: p.Glu1293Asp; replaces glutamic acid 1293 with aspartic acid.
Molecular consequence: missense variant.
Genome position (GRCh38, 1-based): chr19:50,278,136, G>C. VCF-style: chr19-50278136-G-C. GRCh37 (hg19) VCF-style: chr19-50781393-G-C.
Other names: c.3780G>C, p.Glu1260Asp (NM_001077186.2); c.3756G>C, p.Glu1252Asp (NM_024729.4); short protein forms E1252D, E1260D, E1293D.
Identifiers: ClinVar variation 1978195 (VCV001978195.5), dbSNP rs554316153, ClinGen allele CA9593359.

ClinVar aggregate classification (germline): Uncertain significance (1 of 4 stars; one submission).

Allele frequency attached by ClinVar (database versions not stated): gnomAD exomes 0.00001; ExAC 0.00003.
gnomAD v4.1: 13 of 1,605,530 alleles (0.00081%); highest among the groups gnomAD compares: South Asian, 0.012%; no homozygotes.

Submission:

Labcorp Genetics (formerly Invitae), Labcorp
Classification: Uncertain significance. Last evaluated: 2022-11-01. Review status: criteria provided, single submitter. Criteria: Invitae Variant Classification Sherloc (09022015). Collection method: clinical testing. Allele origin: germline.
Comment: This variant is present in population databases (rs554316153, gnomAD 0.02%). This sequence change replaces glutamic acid, which is acidic and polar, with aspartic acid, which is acidic and polar, at codon 1252 of the MYH14 protein (p.Glu1252Asp). This variant has not been reported in the literature in individuals affected with MYH14-related conditions. In summary, the available evidence is currently insufficient to determine the role of this variant in disease. Therefore, it has been classified as a Variant of Uncertain Significance. Algorithms developed to predict the effect of missense changes on protein structure and function are either unavailable or do not agree on the potential impact of this missense change (SIFT: "Deleterious"; PolyPhen-2: "Benign"; Align-GVGD: "Class C35").